The following is an entry in ClinVar:

ClinVar aggregate classification (germline): Conflicting classifications of pathogenicity. Review status: criteria provided, conflicting classifications (1 of 4 stars). 7 submissions from 7 submitters: Uncertain significance (5); Likely benign (1). 1 of the submissions does not count toward it. Last evaluated 2026-01-28.

Conditions:
Nemaline myopathy 2 (NEM2). Also called: Nemaline myopathy 2, autosomal recessive. Identifiers: MedGen C1850569, MONDO:0009725, OMIM 256030.

Allele frequency attached by ClinVar (database versions not stated): TOPMed 0.00009; gnomAD exomes 0.00010; gnomAD 0.00011 and 0.00012; ExAC 0.00016; 1000 Genomes Project 30x 0.00031; 1000 Genomes Project 0.00040.
gnomAD v4.1: 111 of 1,589,280 alleles (0.007%); highest among the groups gnomAD compares: Middle Eastern, 0.067%; no homozygotes.

Submissions (7):

Labcorp Genetics (formerly Invitae), Labcorp
Classification: Likely benign for Nemaline myopathy 2. Last evaluated: 2026-01-28. Review status: criteria provided, single submitter. Criteria: Invitae Variant Classification Sherloc (09022015). Collection method: clinical testing. Allele origin: germline.

GeneDx
Classification: Uncertain significance. Last evaluated: 2025-10-08. Review status: criteria provided, single submitter. Criteria: GeneDx Variant Classification Process June 2021. Collection method: clinical testing. Allele origin: germline. Affected: yes.
Comment: In silico analysis supports that this missense variant has a deleterious effect on protein structure/function; Has not been previously published as pathogenic or benign to our knowledge

Blueprint Genetics
Classification: Uncertain significance. Last evaluated: 2024-10-25. Review status: criteria provided, single submitter. Criteria: ACMG Guidelines, 2015. Collection method: clinical testing. Allele origin: germline.

Women's Health and Genetics/Laboratory Corporation of America, LabCorp
Classification: Uncertain significance. Last evaluated: 2022-03-31. Review status: criteria provided, single submitter. Criteria: LabCorp Variant Classification Summary - May 2015. Collection method: clinical testing. Allele origin: germline.
Comment: Variant summary: NEB c.19966C>T (p.Arg6656Cys) results in a non-conservative amino acid change in the encoded protein sequence. Three of five in-silico tools predict a damaging effect of the variant on protein function. The variant allele was found at a frequency of 9.5e-05 in 210040 control chromosomes (gnomAD). This frequency is not higher than expected for a pathogenic variant in NEB causing Nemaline Myopathy 2 (9.5e-05 vs 0.0035), allowing no conclusion about variant significance. To our knowledge, no occurrence of c.19966C>T in individuals affected with Nemaline Myopathy 2 and no experimental evidence demonstrating its impact on protein function have been reported. Four clinical diagnostic laboratories have submitted clinical-significance assessments for this variant to ClinVar after 2014 and all classified the variant as uncertain significance. Based on the evidence outlined above, the variant was classified as uncertain significance.

Fulgent Genetics
Classification: Uncertain significance for Nemaline myopathy 2. Last evaluated: 2018-10-31. Review status: criteria provided, single submitter. Criteria: ACMG Guidelines, 2015. Collection method: clinical testing. Allele origin: unknown.

Eurofins Ntd Llc (ga)
Classification: Uncertain significance. Last evaluated: 2016-03-02. Review status: criteria provided, single submitter. Criteria: EGL Classification Definitions 2015. Collection method: clinical testing. Allele origin: germline. Observed: 1 variant allele, 1 heterozygote.

Natera, Inc.
Classification: Uncertain significance for Nemaline myopathy type 2. Last evaluated: 2020-07-07. Review status: no assertion criteria provided. Collection method: clinical testing. Allele origin: germline. Not counted in ClinVar's aggregate classification.

NM_001164508.2(NEB):c.19966C>T (p.Arg6656Cys)

Gene: NEB (nebulin; minus strand). Cytogenetic location: 2q23.3.
Variant type: single nucleotide variant.
Coding change: c.19966C>T on transcript NM_001164508.2 (MANE Select); coding-DNA position 19966, C replaced by T.
Protein change: p.Arg6656Cys; replaces arginine 6656 with cysteine.
Molecular consequence: missense variant.
Genome position (GRCh38, 1-based): chr2:151,549,719, G>A on the plus strand (C>T on the coding strand, the complement: NEB is on the minus strand). VCF-style: chr2-151549719-G-A. GRCh37 (hg19) VCF-style: chr2-152406233-G-A.
Other names: c.19966C>T, p.Arg6656Cys (NM_001164507.2, NM_001271208.2); c.14863C>T, p.Arg4955Cys (NM_004543.5); short protein forms R4955C, R6656C.
Identifiers: ClinVar variation 286378 (VCV000286378.20), dbSNP rs527250558, ClinGen allele CA1907471.
Genomic context (GRCh38, chr2:151,549,719, plus strand): 5'-CCTTGATGTGTTTGAAGTGAGGAGTGTCACCTGGAAGTCTATATCCAGTGGGCAGGGTGC[G>A]CAGGCTGGTTTTGTATAGATTCTGCAGGAATGAGGAAGAGCAGGTTAAATGACATCGGGC-3'
Protein context (NP_001157980.2, residues 6646-6666): QSSNLYKTSL[Arg6656Cys]TLPTGYRLPG